The following is an entry in ClinVar:

ClinVar aggregate classification (germline): Uncertain significance. Review status: criteria provided, multiple submitters, no conflicts (2 of 4 stars). 2 submissions from 2 submitters: Uncertain significance (2). Last evaluated 2024-02-26.

Conditions:
Birt-Hogg-Dube syndrome. Also called: Birt Hogg Dubé syndrome. Identifiers: Orphanet 122, MedGen C0346010, MONDO:0800444.
Hereditary cancer-predisposing syndrome. Also called: Hereditary Cancer Syndrome; Tumor predisposition; Hereditary neoplastic syndrome; Neoplastic Syndromes, Hereditary. Identifiers: Orphanet 140162, MedGen C0027672, MeSH D009386, MONDO:0015356.

Submissions (2):

Ambry Genetics
Classification: Uncertain significance for Hereditary cancer-predisposing syndrome. Last evaluated: 2024-02-26. Review status: criteria provided, single submitter. Criteria: Ambry Variant Classification Scheme 2023. Collection method: clinical testing. Allele origin: germline.
Comment: The p.Y405H variant (also known as c.1213T>C), located in coding exon 8 of the FLCN gene, results from a T to C substitution at nucleotide position 1213. The tyrosine at codon 405 is replaced by histidine, an amino acid with similar properties. This amino acid position is conserved. In addition, the in silico prediction for this alteration is inconclusive. Based on the available evidence, the clinical significance of this alteration remains unclear.

Labcorp Genetics (formerly Invitae), Labcorp
Classification: Uncertain significance for Birt-Hogg-Dube syndrome. Last evaluated: 2022-02-09. Review status: criteria provided, single submitter. Criteria: Invitae Variant Classification Sherloc (09022015). Collection method: clinical testing. Allele origin: germline.
Comment: This variant has not been reported in the literature in individuals affected with FLCN-related conditions. ClinVar contains an entry for this variant (Variation ID: 1054815). This variant is not present in population databases (gnomAD no frequency). In summary, the available evidence is currently insufficient to determine the role of this variant in disease. Therefore, it has been classified as a Variant of Uncertain Significance. Algorithms developed to predict the effect of missense changes on protein structure and function are either unavailable or do not agree on the potential impact of this missense change (SIFT: "Deleterious"; PolyPhen-2: "Benign"; Align-GVGD: "Class C25"). This sequence change replaces tyrosine, which is neutral and polar, with histidine, which is basic and polar, at codon 405 of the FLCN protein (p.Tyr405His).

NM_144997.7(FLCN):c.1213T>C (p.Tyr405His)

Gene: FLCN (folliculin; minus strand). Cytogenetic location: 17p11.2.
Variant type: single nucleotide variant.
Coding change: c.1213T>C on transcript NM_144997.7 (MANE Select); coding-DNA position 1213, T replaced by C.
Protein change: p.Tyr405His; replaces tyrosine 405 with histidine.
Molecular consequence: missense variant.
Genome position (GRCh38, 1-based): chr17:17,216,467, A>G on the plus strand (T>C on the coding strand, the complement: FLCN is on the minus strand). VCF-style: chr17-17216467-A-G. GRCh37 (hg19) VCF-style: chr17-17119781-A-G.
Other names: c.1213T>C (NM_144997.5); c.1267T>C, p.Tyr423His (NM_001353229.2); c.1213T>C, p.Tyr405His (NM_001353230.2, NM_001353231.2); short protein forms Y405H, Y423H.
Identifiers: ClinVar variation 1054815 (VCV001054815.6), dbSNP rs2144859347, ClinGen allele CA398531900.